The following is an entry in ClinVar:

ClinVar aggregate classification (germline): Uncertain significance. Review status: criteria provided, multiple submitters, no conflicts (2 of 4 stars). 5 submissions from 5 submitters: Uncertain significance (3). 2 of the submissions do not count toward it. Last evaluated 2022-08-23.

Conditions:
PEX10-related disorder. Also called: PEX10-related condition.
Zellweger spectrum disorders (ZS). Also called: Zellweger Spectrum Disorder; Zellweger Spectrum; Zellweger syndrome; Zellweger Spectrum Disorder (ZSD). Identifiers: Orphanet 912, MedGen C0043459, MONDO:0019609.
Peroxisome biogenesis disorder, complementation group 7 (CG7). Also called: Peroxisome biogenesis disorder, complementation group B. Identifiers: MedGen C1864399.
Peroxisome biogenesis disorder 6A (Zellweger). Also called: Peroxisome biogenesis disorder 6A. Identifiers: Orphanet 912, MedGen C3553947, MONDO:0013936, OMIM 614870.

Allele frequency attached by ClinVar (database versions not stated): ExAC 0.00002; gnomAD exomes 0.00002; TOPMed 0.00002; gnomAD 0.00003 and 0.00004.
gnomAD v4.1: 26 of 1,613,874 alleles (0.0016%); highest among the groups gnomAD compares: African/African-American, 0.0053%; no homozygotes.

Submissions (5):

Labcorp Genetics (formerly Invitae), Labcorp
Classification: Uncertain significance for Peroxisome biogenesis disorder, complementation group 7. Last evaluated: 2022-08-23. Review status: criteria provided, single submitter. Criteria: Invitae Variant Classification Sherloc (09022015). Collection method: clinical testing. Allele origin: germline.
Comment: This sequence change replaces arginine, which is basic and polar, with cysteine, which is neutral and slightly polar, at codon 91 of the PEX10 protein (p.Arg91Cys). This variant is present in population databases (rs747921371, gnomAD 0.02%). This variant has not been reported in the literature in individuals affected with PEX10-related conditions. ClinVar contains an entry for this variant (Variation ID: 598635). Algorithms developed to predict the effect of missense changes on protein structure and function are either unavailable or do not agree on the potential impact of this missense change (SIFT: "Deleterious"; PolyPhen-2: "Probably Damaging"; Align-GVGD: "Class C15"). In summary, the available evidence is currently insufficient to determine the role of this variant in disease. Therefore, it has been classified as a Variant of Uncertain Significance.

Eurofins Ntd Llc (ga)
Classification: Uncertain significance. Last evaluated: 2018-09-12. Review status: criteria provided, single submitter. Criteria: EGL ClinVar v180209 classification definitions. Collection method: clinical testing. Allele origin: germline. Observed: 1 variant allele, 1 heterozygote.

Illumina Laboratory Services, Illumina
Classification: Uncertain significance for Peroxisome biogenesis disorder 6A (Zellweger). Last evaluated: 2018-01-12. Review status: criteria provided, single submitter. Criteria: ICSL Variant Classification Criteria 13 December 2019. Collection method: clinical testing. Allele origin: germline.

PreventionGenetics, part of Exact Sciences
Classification: Uncertain significance for PEX10-related condition. Last evaluated: 2024-06-26. Review status: no assertion criteria provided. Collection method: clinical testing. Allele origin: germline. Not counted in ClinVar's aggregate classification.
Comment: The PEX10 c.271C>T variant is predicted to result in the amino acid substitution p.Arg91Cys. To our knowledge, this variant has not been reported in the literature. This variant is reported in 0.016% of alleles in individuals of African descent in gnomAD. At this time, the clinical significance of this variant is uncertain due to the absence of conclusive functional and genetic evidence.

Natera, Inc.
Classification: Uncertain significance for Zellweger syndrome. Last evaluated: 2019-10-28. Review status: no assertion criteria provided. Collection method: clinical testing. Allele origin: germline. Not counted in ClinVar's aggregate classification.

NM_002617.4(PEX10):c.271C>T (p.Arg91Cys)

Gene: PEX10 (peroxisomal biogenesis factor 10; minus strand). Cytogenetic location: 1p36.32.
Variant type: single nucleotide variant.
Coding change: c.271C>T on transcript NM_002617.4 (MANE Select); coding-DNA position 271, C replaced by T.
Protein change: p.Arg91Cys; replaces arginine 91 with cysteine.
Molecular consequence: missense variant. On other transcripts: 5 prime UTR variant (2), non-coding transcript variant (1).
Genome position (GRCh38, 1-based): chr1:2,408,781, G>A on the plus strand (C>T on the coding strand, the complement: PEX10 is on the minus strand). VCF-style: chr1-2408781-G-A. GRCh37 (hg19) VCF-style: chr1-2340220-G-A.
Other names: c.271C>T, p.Arg91Cys (NM_001374425.1, NM_153818.2); c.-162C>T (NM_001374426.1, NM_001374427.1); short protein forms R91C.
Identifiers: ClinVar variation 598635 (VCV000598635.12), dbSNP rs747921371, ClinGen allele CA538229.